The following is an entry in ClinVar:

NM_003590.5(CUL3):c.*1934_*1937del

Gene: CUL3 (cullin 3; minus strand). Cytogenetic location: 2q36.2.
Variant type: Deletion.
Coding change: c.*1934_*1937del on transcript NM_003590.5 (MANE Select); 1934 bases downstream of the stop codon through 1937 bases downstream of the stop codon, 4 bases deleted (AAGT; older notation c.*1934_*1937delAAGT).
Molecular consequence: 3 prime UTR variant.
Genome position (GRCh38, 1-based): chr2:224,472,308-224,472,311, ACTT deleted on the plus strand (AAGT on the coding strand, the reverse complement: CUL3 is on the minus strand); deleting any 4 consecutive bases within chr2:224,472,308-224,472,312 gives the same sequence; the c. name uses the placement nearest the transcript's 3' end. VCF-style (leftmost placement, unchanged base first): chr2-224472307-CACTT-C. GRCh37 (hg19) VCF-style: chr2-225337024-CACTT-C.
Other names: c.*1934_*1937del (NM_001257197.2, NM_001257198.2).
Identifiers: ClinVar variation 334608 (VCV000334608.29), dbSNP rs533374759, ClinGen allele CA10612591.

ClinVar aggregate classification (germline): Benign (1 of 4 stars; one submission).

Submission:

CeGaT Center for Human Genetics Tuebingen
Classification: Benign. Last evaluated: 2022-07-01. Review status: criteria provided, single submitter. Criteria: CeGaT Center For Human Genetics Tuebingen Variant Classification Criteria Version 2. Collection method: clinical testing. Allele origin: germline. Affected: yes. Observed: 1 variant allele.
Comment: CUL3: BS1, BS2